The following is an entry in ClinVar:

ClinVar aggregate classification (germline): Conflicting classifications of pathogenicity. Review status: criteria provided, conflicting classifications (1 of 4 stars). 18 submissions from 18 submitters: Uncertain significance (2); Benign (7); Likely benign (8). 1 of the submissions does not count toward it. Last evaluated 2026-07-01.

Conditions:
Inborn genetic diseases. Identifiers: MedGen C0950123, MeSH D030342.
Wilson disease (WND). Also called: Wilson's disease. Identifiers: Orphanet 905, MedGen C0019202, MONDO:0010200, OMIM 277900. Disease mechanism: loss of function.

Allele frequency attached by ClinVar (database versions not stated): ESP Exome Variant Server 0.00047; gnomAD exomes 0.00103 and 0.00240; 1000 Genomes Project 30x 0.00297; TOPMed 0.00120; gnomAD 0.00210 and 0.00192; ExAC 0.00225; 1000 Genomes Project 0.00339.
gnomAD v4.1: 1,847 of 1,614,090 alleles (0.11%); highest among the groups gnomAD compares: East Asian, 1.7%; 11 homozygotes.

Submissions (18):

CeGaT Center for Human Genetics Tuebingen
Classification: Likely benign. Last evaluated: 2026-07-01. Review status: criteria provided, single submitter. Criteria: CeGaT Center For Human Genetics Tuebingen Variant Classification Criteria Version 2. Collection method: clinical testing. Allele origin: germline. Affected: yes. Observed: 5 variant alleles.
Comment: ATP7B: BS1

Labcorp Genetics (formerly Invitae), Labcorp
Classification: Benign for Wilson disease. Last evaluated: 2026-02-02. Review status: criteria provided, single submitter. Criteria: Invitae Variant Classification Sherloc (09022015). Collection method: clinical testing. Allele origin: germline.

Mayo Clinic Laboratories, Mayo Clinic
Classification: Benign. Last evaluated: 2025-05-16. Review status: criteria provided, single submitter. Criteria: ACMG Guidelines, 2015. Collection method: clinical testing. Allele origin: germline. Observed: 5 variant alleles.
Comment: BS1, BS2

ARUP Laboratories, Molecular Genetics and Genomics, ARUP Laboratories
Classification: Likely benign for Wilson disease. Last evaluated: 2025-05-15. Review status: criteria provided, single submitter. Criteria: ARUP Molecular Germline Variant Investigation Process 2024. Collection method: clinical testing. Allele origin: germline.

Blueprint Genetics
Classification: Likely benign. Last evaluated: 2024-11-13. Review status: criteria provided, single submitter. Criteria: ACMG Guidelines, 2015. Collection method: clinical testing. Allele origin: germline.

All of Us Research Program, National Institutes of Health
Classification: Likely benign for Wilson disease. Last evaluated: 2024-09-23. Review status: criteria provided, single submitter. Criteria: ACMG Guidelines, 2015. Collection method: clinical testing. Allele origin: germline. Inheritance: Autosomal recessive inheritance. Observed: 211 variant alleles, 210 heterozygotes, 1 homozygote.
Comment: This study involves interpretation of variants in research participants for the purpose of population health screening. Participant phenotype was not available at the time of variant classification. Additional details can be found in publication PMID: 35346344, PMCID: PMC8962531

Chongqing Key Laboratory of Child Rare Diseases in Infection and Immunity, Children’s Hospital of Chongqing Medical University
Classification: Uncertain significance for Wilson disease. Last evaluated: 2024-01-01. Review status: criteria provided, single submitter. Criteria: ACMG Guidelines, 2015. Collection method: clinical testing. Allele origin: germline. Inheritance: Autosomal recessive inheritance. Affected: yes.
Comment: Classified as Uncertain significance according to the ACMG/AMP 2015 guidelines (PMID:25741868). The classification was based on the available submitted evidence for Wilson disease (OMIM:277900), including clinical-testing observations, variant consequence/protein annotation, and published or ClinVar evidence where available. Supporting information considered: variant annotation: p.Val1297Ile; Missense; Protein domain: Core (post-N); submitted notation: NM_000053.4:c.3889G>A (p.Val1297Ile); source variant type: Missense; source domain: Core (post-N); allele count n=230: 2.

Color Diagnostics, LLC DBA Color Health
Classification: Likely benign for Wilson disease. Last evaluated: 2022-09-15. Review status: criteria provided, single submitter. Criteria: ACMG Guidelines, 2015. Collection method: clinical testing. Allele origin: germline.

Genome-Nilou Lab
Classification: Benign for Wilson disease. Last evaluated: 2021-05-18. Review status: criteria provided, single submitter. Criteria: ACMG Guidelines, 2015. Collection method: clinical testing. Allele origin: germline. Affected: no.

Mendelics
Classification: Benign for Wilson disease. Last evaluated: 2019-05-28. Review status: criteria provided, single submitter. Criteria: Mendelics Assertion Criteria 2017. Collection method: clinical testing. Allele origin: unknown.

Genetic Services Laboratory, University of Chicago
Classification: Benign. Last evaluated: 2019-02-01. Review status: criteria provided, single submitter. Criteria: ACMG Guidelines, 2015. Collection method: clinical testing. Allele origin: germline. Affected: no.

Illumina Laboratory Services, Illumina
Classification: Likely benign for Wilson disease. Last evaluated: 2018-09-17. Review status: criteria provided, single submitter. Criteria: ICSL Variant Classification Criteria 13 December 2019. Collection method: clinical testing. Allele origin: germline.
Comment: This variant was observed as part of a predisposition screen in an ostensibly healthy population. A literature search was performed for the gene, cDNA change, and amino acid change (where applicable). Publications were found based on this search. The evidence from the literature, in combination with allele frequency data from public databases where available, was sufficient to determine this variant is unlikely to cause disease. Therefore, this variant is classified as likely benign.

Women's Health and Genetics/Laboratory Corporation of America, LabCorp
Classification: Benign. Last evaluated: 2018-06-21. Review status: criteria provided, single submitter. Criteria: LabCorp Variant Classification Summary - May 2015. Collection method: clinical testing. Allele origin: germline.
Comment: Variant summary: ATP7B c.3889G>A (p.Val1297Ile) results in a conservative amino acid change in the encoded protein sequence. Three of five in-silico tools predict a benign effect of the variant on protein function. The variant allele was found at a frequency of 0.0027 in 279784 control chromosomes, predominantly at a frequency of 0.017 within the East Asian subpopulation in the gnomAD database, including 6 homozygotes. The observed variant frequency within East Asian control individuals in the gnomAD database is approximately 3.15 fold of the estimated maximal expected allele frequency for a pathogenic variant in ATP7B causing Wilson Disease phenotype (0.0054), strongly suggesting that the variant is a benign polymorphism found primarily in populations of East Asian origin. c.3889G>A has been reported as a "polymorphism" in the literature in individuals affected with Wilson Disease. Multiple studies reported not significantly different MAF of variant in diesease vs control cohort (Dong_2016 and Hua_2016) and listed variant as polymorphism. To our knowledge, no experimental evidence demonstrating an impact on protein function has been reported. Five clinical diagnostic laboratories have submitted clinical-significance assessments for this variant to ClinVar without evidence for independent evaluation (2 benign, 2 likely benign and 1 VUS). Based on the evidence outlined above, the variant was classified as benign.

GeneDx
Classification: Likely benign. Last evaluated: 2017-12-15. Review status: criteria provided, single submitter. Criteria: GeneDx Variant Classification (06012015). Collection method: clinical testing. Allele origin: germline. Affected: yes.
Comment: This variant is considered likely benign or benign based on one or more of the following criteria: it is a conservative change, it occurs at a poorly conserved position in the protein, it is predicted to be benign by multiple in silico algorithms, and/or has population frequency not consistent with disease.

Soonchunhyang University Bucheon Hospital, Soonchunhyang University Medical Center
Classification: Uncertain significance for Wilson disease. Last evaluated: 2016-03-18. Review status: criteria provided, single submitter. Criteria: ACMG Guidelines, 2015. Collection method: reference population. Allele origin: germline. Observed: 4 variant alleles.

Ambry Genetics
Classification: Likely benign for Inborn genetic diseases. Last evaluated: 2014-10-07. Review status: criteria provided, single submitter. Criteria: Ambry Variant Classification Scheme 2023. Collection method: clinical testing. Allele origin: germline.

Eurofins Ntd Llc (ga)
Classification: Benign. Last evaluated: 2013-11-20. Review status: criteria provided, single submitter. Criteria: EGL Classification Definitions 2015. Collection method: clinical testing. Allele origin: germline. Observed: 1 variant allele, 1 heterozygote.

Natera, Inc.
Classification: Benign for Wilson disease. Last evaluated: 2020-04-03. Review status: no assertion criteria provided. Collection method: clinical testing. Allele origin: germline. Not counted in ClinVar's aggregate classification.

Literature cited by the submitters: PubMed 21219664 (cited by 4 submitters); PubMed 27022412 (cited by Mayo Clinic Laboratories, Mayo Clinic and Women's Health and Genetics/Laboratory Corporation of America, LabCorp); PubMed 27398169 (cited by Mayo Clinic Laboratories, Mayo Clinic and Women's Health and Genetics/Laboratory Corporation of America, LabCorp); PubMed 30097039 (cited by Mayo Clinic Laboratories, Mayo Clinic); PubMed 30884209 (cited by Mayo Clinic Laboratories, Mayo Clinic); PubMed 31180159 (cited by Mayo Clinic Laboratories, Mayo Clinic); PubMed 35470480 (cited by Mayo Clinic Laboratories, Mayo Clinic); PubMed 20045993 (cited by Illumina Laboratory Services, Illumina); PubMed 16696937 (cited by 3 submitters); PubMed 22940187 (cited by Illumina Laboratory Services, Illumina); PubMed 22484412 (cited by Illumina Laboratory Services, Illumina and Ambry Genetics); PubMed 10544227 (cited by Women's Health and Genetics/Laboratory Corporation of America, LabCorp); PubMed 26483271 (cited by Women's Health and Genetics/Laboratory Corporation of America, LabCorp); PubMed 22692182 (cited by Soonchunhyang University Bucheon Hospital, Soonchunhyang University Medical Center).

NM_000053.4(ATP7B):c.3889G>A (p.Val1297Ile)

Gene: ATP7B (ATPase copper transporting beta; minus strand). Cytogenetic location: 13q14.3.
Variant type: single nucleotide variant.
Coding change: c.3889G>A on transcript NM_000053.4 (MANE Select); coding-DNA position 3889, G replaced by A.
Protein change: p.Val1297Ile; replaces valine 1297 with isoleucine.
Molecular consequence: missense variant.
Genome position (GRCh38, 1-based): chr13:51,937,490, C>T on the plus strand (G>A on the coding strand, the complement: ATP7B is on the minus strand). VCF-style: chr13-51937490-C-T. GRCh37 (hg19) VCF-style: chr13-52511626-C-T.
Other names: c.3268G>A, p.Val1090Ile (NM_001005918.3); c.3556G>A, p.Val1186Ile (NM_001243182.2); c.3655G>A, p.Val1219Ile (NM_001330578.2); c.3637G>A, p.Val1213Ile (NM_001330579.2); short protein forms V1297I, V1090I, V1219I, V1213I, V1186I.
Identifiers: ClinVar variation 92389 (VCV000092389.69), dbSNP rs148399850, ClinGen allele CA145689.